The following is an entry in ClinVar:

ClinVar aggregate classification (germline): Uncertain significance. Review status: criteria provided, multiple submitters, no conflicts (2 of 4 stars). 3 submissions from 3 submitters: Uncertain significance (3). Last evaluated 2026-07-06.

Conditions:
Hereditary cancer-predisposing syndrome. Also called: Neoplastic Syndromes, Hereditary; Hereditary Cancer Syndrome; Tumor predisposition; Hereditary neoplastic syndrome. Identifiers: Orphanet 140162, MedGen C0027672, MeSH D009386, MONDO:0015356.
Familial adenomatous polyposis 1 (FAP1). Also called: FAMILIAL ADENOMATOUS POLYPOSIS 1, ATTENUATED; POLYPOSIS, ADENOMATOUS INTESTINAL. Identifiers: MedGen C2713442, MONDO:0021056, OMIM 175100. Disease mechanism: loss of function.

Submissions (3):

Ambry Genetics
Classification: Uncertain significance for Hereditary cancer-predisposing syndrome. Last evaluated: 2026-07-06. Review status: criteria provided, single submitter. Criteria: Ambry Variant Classification Scheme 2023. Collection method: clinical testing. Allele origin: germline.
Comment: The p.R838T variant (also known as c.2513G>C), located in coding exon 15 of the APC gene, results from a G to C substitution at nucleotide position 2513. The arginine at codon 838 is replaced by threonine, an amino acid with similar properties. This amino acid position is conserved. In addition, in silico predictors for this gene do not accurately predict pathogenicity. Based on the available evidence, the clinical significance of this variant remains unclear.

Baylor Genetics
Classification: Uncertain significance for Familial adenomatous polyposis 1. Last evaluated: 2024-01-17. Review status: criteria provided, single submitter. Criteria: ACMG Guidelines, 2015. Collection method: clinical testing. Allele origin: unknown.

Labcorp Genetics (formerly Invitae), Labcorp
Classification: Uncertain significance for Familial adenomatous polyposis 1. Last evaluated: 2022-06-14. Review status: criteria provided, single submitter. Criteria: Invitae Variant Classification Sherloc (09022015). Collection method: clinical testing. Allele origin: germline.
Comment: This sequence change replaces arginine, which is basic and polar, with threonine, which is neutral and polar, at codon 838 of the APC protein (p.Arg838Thr). In summary, the available evidence is currently insufficient to determine the role of this variant in disease. Therefore, it has been classified as a Variant of Uncertain Significance. Algorithms developed to predict the effect of missense changes on protein structure and function are either unavailable or do not agree on the potential impact of this missense change (SIFT: "Tolerated"; PolyPhen-2: "Possibly Damaging"; Align-GVGD: "Class C0"). ClinVar contains an entry for this variant (Variation ID: 952457). This variant has not been reported in the literature in individuals affected with APC-related conditions. This variant is not present in population databases (gnomAD no frequency).

NM_000038.6(APC):c.2513G>C (p.Arg838Thr)

Gene: APC (APC regulator of Wnt signaling pathway; plus strand). Cytogenetic location: 5q22.2.
Variant type: single nucleotide variant.
Coding change: c.2513G>C on transcript NM_000038.6 (MANE Select); coding-DNA position 2513, G replaced by C.
Protein change: p.Arg838Thr; replaces arginine 838 with threonine.
Molecular consequence: missense variant.
Genome position (GRCh38, 1-based): chr5:112,838,107, G>C. VCF-style: chr5-112838107-G-C. GRCh37 (hg19) VCF-style: chr5-112173804-G-C.
Other names: c.2513G>C, p.Arg838Thr (NM_001127510.3, NM_001354895.2); c.2459G>C, p.Arg820Thr (NM_001127511.3); c.2567G>C, p.Arg856Thr (NM_001354896.2); c.2543G>C, p.Arg848Thr (NM_001354897.2); c.2438G>C, p.Arg813Thr (NM_001354898.2); c.2429G>C, p.Arg810Thr (NM_001354899.2); c.2390G>C, p.Arg797Thr (NM_001354900.2); c.2336G>C, p.Arg779Thr (NM_001354901.2); and 5 more; short protein forms R820T, R848T, R712T, R810T, R797T, R838T, R856T, R555T.
Identifiers: ClinVar variation 952457 (VCV000952457.13), dbSNP rs1765200954, ClinGen allele CA16026835.